The following is an entry in ClinVar:

NM_002354.3(EPCAM):c.320C>T (p.Ala107Val)

Gene: EPCAM (epithelial cell adhesion molecule; plus strand). Cytogenetic location: 2p21.
Variant type: single nucleotide variant.
Coding change: c.320C>T on transcript NM_002354.3 (MANE Select); coding-DNA position 320, C replaced by T.
Protein change: p.Ala107Val; replaces alanine 107 with valine.
Molecular consequence: missense variant.
Genome position (GRCh38, 1-based): chr2:47,373,943, C>T. VCF-style: chr2-47373943-C-T. GRCh37 (hg19) VCF-style: chr2-47601082-C-T.
Other names: short protein forms A107V.
Identifiers: ClinVar variation 216554 (VCV000216554.9), dbSNP rs863224710, ClinGen allele CA338290.
Genomic context (GRCh38, chr2:47,373,943, plus strand): 5'-CCCTCCAGAACAATGATGGGCTTTATGATCCTGACTGCGATGAGAGCGGGCTCTTTAAGG[C>T]CAAGCAGTGCAACGGCACCTCCATGTGCTGGTGTGTGAACACTGCTGGGGTCAGAAGAAC-3'
Protein context (NP_002345.2, residues 97-117): PDCDESGLFK[Ala107Val]KQCNGTSMCW

ClinVar aggregate classification (germline): Uncertain significance (1 of 4 stars; one submission).

Submission:

Labcorp Genetics (formerly Invitae), Labcorp
Classification: Uncertain significance. Last evaluated: 2022-03-08. Review status: criteria provided, single submitter. Criteria: Invitae Variant Classification Sherloc (09022015). Collection method: clinical testing. Allele origin: germline.
Comment: This variant is not present in population databases (gnomAD no frequency). This sequence change replaces alanine, which is neutral and non-polar, with valine, which is neutral and non-polar, at codon 107 of the EPCAM protein (p.Ala107Val). In summary, the available evidence is currently insufficient to determine the role of this variant in disease. Therefore, it has been classified as a Variant of Uncertain Significance. Algorithms developed to predict the effect of missense changes on protein structure and function are either unavailable or do not agree on the potential impact of this missense change (SIFT: "Deleterious"; PolyPhen-2: "Probably Damaging"; Align-GVGD: "Class C0"). ClinVar contains an entry for this variant (Variation ID: 216554). This variant has not been reported in the literature in individuals affected with EPCAM-related conditions.